The following is an entry in ClinVar:

ClinVar aggregate classification (germline): Uncertain significance (1 of 4 stars; one submission).

Conditions:
Inflammatory bowel disease 28. Also called: Inflammatory bowel disease 28, early onset, autosomal recessive. Identifiers: Orphanet 238569, MedGen C2751053, MONDO:0013153, OMIM 613148.

Allele frequency attached by ClinVar (database versions not stated): gnomAD exomes below 0.00001 and 0.00001; TOPMed below 0.00001; gnomAD 0.00001; ExAC 0.00003; 1000 Genomes Project 30x 0.00016; 1000 Genomes Project 0.00020.
gnomAD v4.1: 4 of 1,613,750 alleles (0.00025%); highest among the groups gnomAD compares: South Asian, 0.0033%; no homozygotes.

Submission:

Labcorp Genetics (formerly Invitae), Labcorp
Classification: Uncertain significance for Inflammatory bowel disease 28. Last evaluated: 2019-10-20. Review status: criteria provided, single submitter. Criteria: Invitae Variant Classification Sherloc (09022015). Collection method: clinical testing. Allele origin: germline.
Comment: In summary, the available evidence is currently insufficient to determine the role of this variant in disease. Therefore, it has been classified as a Variant of Uncertain Significance. Algorithms developed to predict the effect of missense changes on protein structure and function are either unavailable or do not agree on the potential impact of this missense change (SIFT: "Deleterious"; PolyPhen-2: "Probably Damaging"; Align-GVGD: "Class C15"). This variant has not been reported in the literature in individuals with IL10RA-related conditions. This variant is present in population databases (rs568487189, ExAC 0.02%). This sequence change replaces threonine with isoleucine at codon 368 of the IL10RA protein (p.Thr368Ile). The threonine residue is highly conserved and there is a moderate physicochemical difference between threonine and isoleucine.

NM_001558.4(IL10RA):c.1103C>T (p.Thr368Ile)

Gene: IL10RA (interleukin 10 receptor subunit alpha; plus strand). Cytogenetic location: 11q23.3.
Variant type: single nucleotide variant.
Coding change: c.1103C>T on transcript NM_001558.4 (MANE Select); coding-DNA position 1103, C replaced by T.
Protein change: p.Thr368Ile; replaces threonine 368 with isoleucine.
Molecular consequence: missense variant. On other transcripts: non-coding transcript variant (1).
Genome position (GRCh38, 1-based): chr11:117,999,007, C>T. VCF-style: chr11-117999007-C-T. GRCh37 (hg19) VCF-style: chr11-117869722-C-T.
Other names: short protein forms T368I.
Identifiers: ClinVar variation 970637 (VCV000970637.10), dbSNP rs568487189, ClinGen allele CA6299120.